The following is an entry in ClinVar:

ClinVar aggregate classification (germline): Uncertain significance (1 of 4 stars; one submission).

Conditions:
Dilated cardiomyopathy 1DD (CMD1DD). Identifiers: Orphanet 154, MedGen C2750995, MONDO:0013168, OMIM 613172.

Submission:

Labcorp Genetics (formerly Invitae), Labcorp
Classification: Uncertain significance for Dilated cardiomyopathy 1DD. Last evaluated: 2023-11-11. Review status: criteria provided, single submitter. Criteria: Invitae Variant Classification Sherloc (09022015). Collection method: clinical testing. Allele origin: unknown.
Comment: This variant is a gross deletion of the genomic region encompassing exon(s) 8 of the RBM20 gene. This deletion is out-of-frame, and is expected to create a premature translational stop signal and result in an absent or disrupted protein product. However, the current clinical and genetic evidence is not sufficient to establish whether loss-of-function variants in RBM20 cause disease. This variant has not been reported in the literature in individuals affected with RBM20-related conditions. In summary, the available evidence is currently insufficient to determine the role of this variant in disease. Therefore, it has been classified as a Variant of Uncertain Significance.

NC_000010.10:g.(?_112570121)_(112570240_?)del

Gene: RBM20 (RNA binding motif protein 20; plus strand). Cytogenetic location: 10q25.2.
Variant type: Deletion.
Identifiers: ClinVar variation 3244894 (VCV003244894.1).